The following is an entry in ClinVar:

NM_014875.3(KIF14):c.2609_2610del (p.Tyr870fs)

Gene: KIF14 (kinesin family member 14; minus strand). Cytogenetic location: 1q32.1.
Variant type: Microsatellite.
Coding change: c.2609_2610del on transcript NM_014875.3 (MANE Select); coding-DNA positions 2609 to 2610, 2 bases deleted (AT; older notation c.2609_2610delAT).
Protein change: p.Tyr870fs; shifts the reading frame from tyrosine 870.
Molecular consequence: frameshift variant.
Genome position (GRCh38, 1-based): chr1:200,593,709-200,593,710, AT deleted on the plus strand (AT on the coding strand, the reverse complement: KIF14 is on the minus strand); deleting any 2 consecutive bases within chr1:200,593,709-200,593,712 gives the same sequence; the c. name uses the placement nearest the transcript's 3' end. VCF-style (leftmost placement, unchanged base first): chr1-200593708-CAT-C. GRCh37 (hg19) VCF-style: chr1-200562836-CAT-C.
Other names: c.1136_1137del, p.Tyr379fs (NM_001305792.1); short protein forms Y379fs, Y870fs.
Identifiers: ClinVar variation 4081473 (VCV004081473.2).
Genomic context (GRCh38, chr1:200,593,708, plus strand): 5'-ATAGCACCCATCCACTTACATGACGTAATACTGTGATTTCCAAAATATGTTTTCCATTTA[CAT>C]ATGTCTTTGCTTCCCCAACTGGGATAATACTCACTGTCCCACCAAAATTTTTGATAGTAC-3'

ClinVar aggregate classification (germline): Pathogenic/Likely pathogenic. Review status: criteria provided, multiple submitters, no conflicts (2 of 4 stars). 2 submissions from 2 submitters: Pathogenic (1); Likely pathogenic (1). Last evaluated 2026-01-18.

Submissions (2):

Labcorp Genetics (formerly Invitae), Labcorp
Classification: Pathogenic. Last evaluated: 2026-01-18. Review status: criteria provided, single submitter. Criteria: Invitae Variant Classification Sherloc (09022015). Collection method: clinical testing. Allele origin: germline.
Comment: This sequence change creates a premature translational stop signal (p.Tyr870Cysfs*16) in the KIF14 gene. It is expected to result in an absent or disrupted protein product. Loss-of-function variants in KIF14 are known to be pathogenic (PMID: 23308235, 29343805, 30388224). This variant is present in population databases (rs762647503, gnomAD 0.002%). This variant has not been reported in the literature in individuals affected with KIF14-related conditions. For these reasons, this variant has been classified as Pathogenic.

Revvity Omics, Revvity
Classification: Likely pathogenic. Last evaluated: 2025-04-07. Review status: criteria provided, single submitter. Criteria: ACMG Guidelines, 2015. Collection method: clinical testing. Allele origin: germline.

Literature cited by the submitters: PubMed 23308235 (cited by Labcorp Genetics (formerly Invitae), Labcorp); PubMed 29343805 (cited by Labcorp Genetics (formerly Invitae), Labcorp); PubMed 30388224 (cited by Labcorp Genetics (formerly Invitae), Labcorp).